The following is an entry in ClinVar:

ClinVar aggregate classification (germline): Conflicting classifications of pathogenicity. Review status: criteria provided, conflicting classifications (1 of 4 stars). 4 submissions from 4 submitters: Uncertain significance (2); Likely benign (1). 1 of the submissions does not count toward it. Last evaluated 2025-08-23.

Conditions:
EHHADH-related disorder. Also called: EHHADH-related condition.

Allele frequency attached by ClinVar (database versions not stated): ESP Exome Variant Server 0.00008; gnomAD 0.00010; gnomAD exomes 0.00015 and 0.00052; TOPMed 0.00053; ExAC 0.00057; 1000 Genomes Project 0.00060; 1000 Genomes Project 30x 0.00109.
gnomAD v4.1: 263 of 1,613,786 alleles (0.016%); highest among the groups gnomAD compares: Admixed American, 0.22%; 1 homozygote.

Submissions (4):

Ambry Genetics
Classification: Uncertain significance. Last evaluated: 2025-08-23. Review status: criteria provided, single submitter. Criteria: Ambry Variant Classification Scheme 2023. Collection method: clinical testing. Allele origin: germline.

Eurofins Ntd Llc (ga)
Classification: Uncertain significance. Last evaluated: 2018-04-19. Review status: criteria provided, single submitter. Criteria: EGL ClinVar v180209 classification definitions. Collection method: clinical testing. Allele origin: germline. Observed: 3 variant alleles, 3 heterozygotes.

Labcorp Genetics (formerly Invitae), Labcorp
Classification: Likely benign. Last evaluated: 2018-02-13. Review status: criteria provided, single submitter. Criteria: Invitae Variant Classification Sherloc (09022015). Collection method: clinical testing. Allele origin: germline.

PreventionGenetics, part of Exact Sciences
Classification: Likely benign for EHHADH-related condition. Last evaluated: 2021-12-30. Review status: no assertion criteria provided. Collection method: clinical testing. Allele origin: germline. Not counted in ClinVar's aggregate classification.
Comment: This variant is classified as likely benign based on ACMG/AMP sequence variant interpretation guidelines (Richards et al. 2015 PMID: 25741868, with internal and published modifications).

NM_001966.4(EHHADH):c.1063G>A (p.Gly355Ser)

Gene: EHHADH (enoyl-CoA hydratase and 3-hydroxyacyl CoA dehydrogenase; minus strand). Cytogenetic location: 3q27.2.
Variant type: single nucleotide variant.
Coding change: c.1063G>A on transcript NM_001966.4 (MANE Select); coding-DNA position 1063, G replaced by A.
Protein change: p.Gly355Ser; replaces glycine 355 with serine.
Molecular consequence: missense variant.
Genome position (GRCh38, 1-based): chr3:185,193,335, C>T on the plus strand (G>A on the coding strand, the complement: EHHADH is on the minus strand). VCF-style: chr3-185193335-C-T. GRCh37 (hg19) VCF-style: chr3-184911123-C-T.
Other names: c.775G>A, p.Gly259Ser (NM_001166415.2); short protein forms G355S, G259S.
Identifiers: ClinVar variation 502772 (VCV000502772.12), dbSNP rs150744159, ClinGen allele CA2739045.